The following is an entry in ClinVar:

NM_015404.4(WHRN):c.664G>A (p.Gly222Arg)

Gene: WHRN (whirlin; minus strand). Cytogenetic location: 9q32.
Variant type: single nucleotide variant.
Coding change: c.664G>A on transcript NM_015404.4 (MANE Select); coding-DNA position 664, G replaced by A.
Protein change: p.Gly222Arg; replaces glycine 222 with arginine.
Molecular consequence: missense variant. On other transcripts: 5 prime UTR variant (1).
Genome position (GRCh38, 1-based): chr9:114,478,726, C>T on the plus strand (G>A on the coding strand, the complement: WHRN is on the minus strand). VCF-style: chr9-114478726-C-T. GRCh37 (hg19) VCF-style: chr9-117241006-C-T.
Other names: c.-486G>A (NM_001083885.3); c.664G>A, p.Gly222Arg (NM_001173425.2); short protein forms G222R.
Identifiers: ClinVar variation 852574 (VCV000852574.9), dbSNP rs1841867800, ClinGen allele CA374622062.
Genomic context (GRCh38, chr9:114,478,726, plus strand): 5'-GGCCCTGCGGGTCCACCCAGGTGTAGATGTGGTTGGTGACGTAGCCCCCAGGGATGCGCC[C>T]TGCTGAGTACACAGACAGCACCAGCTTCTTGGAGCCCTTCAGAGCCTAGGGAGAGAGGGA-3'
Protein context (NP_056219.3, residues 212-232): KKLVLSVYSA[Gly222Arg]RIPGGYVTNH

ClinVar aggregate classification (germline): Uncertain significance (1 of 4 stars; one submission).

Allele frequency attached by ClinVar (database versions not stated): gnomAD 0.00001; gnomAD exomes 0.00003.
gnomAD v4.1: 36 of 1,612,636 alleles (0.0022%); highest among the groups gnomAD compares: Non-Finnish European, 0.0031%; no homozygotes.

Submission:

Labcorp Genetics (formerly Invitae), Labcorp
Classification: Uncertain significance. Last evaluated: 2022-08-13. Review status: criteria provided, single submitter. Criteria: Invitae Variant Classification Sherloc (09022015). Collection method: clinical testing. Allele origin: germline.
Comment: This sequence change replaces glycine, which is neutral and non-polar, with arginine, which is basic and polar, at codon 222 of the WHRN protein (p.Gly222Arg). This variant is not present in population databases (gnomAD no frequency). In summary, the available evidence is currently insufficient to determine the role of this variant in disease. Therefore, it has been classified as a Variant of Uncertain Significance. Algorithms developed to predict the effect of missense changes on protein structure and function (SIFT, PolyPhen-2, Align-GVGD) all suggest that this variant is likely to be disruptive. ClinVar contains an entry for this variant (Variation ID: 852574). This variant has not been reported in the literature in individuals affected with WHRN-related conditions.